The following is an entry in ClinVar:

ClinVar aggregate classification (germline): Pathogenic. Review status: criteria provided, single submitter (1 of 4 stars). 2 submissions from 2 submitters: Pathogenic (1). 1 of the submissions does not count toward it. Last evaluated 2024-09-18.

Conditions:
CDKL5 disorder. Identifiers: MedGen CN296942, MONDO:0100039.
Developmental and epileptic encephalopathy, 2 (DEE2). Also called: INFANTILE SPASM SYNDROME, X-LINKED 2; CDKL5 deficiency disorder. Identifiers: Orphanet 1934, Orphanet 3451, Orphanet 505652, MedGen C4750718, MONDO:0010396, OMIM 300672.

Submissions (2):

Centre for Population Genomics, CPG
Classification: Pathogenic for CDKL5 disorder. Last evaluated: 2024-09-18. Review status: criteria provided, single submitter. Criteria: McKnight et al. (Hum Mutat. 2022). Collection method: curation. Allele origin: germline. Inheritance: X-linked inheritance.
Comment: This variant has been collected from RettBASE and curated to current modified ACMG/AMP criteria. Based on the classification scheme defined by the ClinGen Rett/Angelman-like Expert Panel for Rett/AS-like Disorders Specifications to the ACMG/AMP Variant Interpretation Guidelines VCEP 3.0, this variant is classified as pathogenic. At least the following criteria are met: Predicted to result in loss of function, and LOF is a known mechanism of disease (PVS1). At least one individual with this variant has been reported with a clinical phenotype consistent with CDKL5- related condition (PP4). PMID: 18790821 This variant is absent from gnomAD v4 (PM2_Supporting).

RettBASE
Classification: Pathogenic for Epileptic encephalopathy, early infantile, 2. Last evaluated: 2014-03-13. Review status: no assertion criteria provided. Collection method: curation. Allele origin: de novo. Affected: yes. Observed: 1 variant allele. Not counted in ClinVar's aggregate classification.

Literature cited by the submitters: PubMed 18790821 (cited by RettBASE).

NM_001323289.2(CDKL5):c.867dup (p.Gln290fs)

Gene: CDKL5 (cyclin dependent kinase like 5; plus strand). Cytogenetic location: Xp22.13.
Variant type: Duplication.
Coding change: c.867dup on transcript NM_001323289.2 (MANE Select); coding-DNA position 867, one base duplicated (A; older notation c.867dupA).
Protein change: p.Gln290fs; shifts the reading frame from glutamine 290.
Molecular consequence: frameshift variant.
Genome position (GRCh38, 1-based): chrX:18,598,503, A duplicated; the last of 2 consecutive A bases (chrX:18,598,502-18,598,503); duplicating either gives the same sequence. VCF-style (leftmost placement, unchanged base first): chrX-18598501-G-GA. GRCh37 (hg19) VCF-style: chrX-18616621-G-GA.
Other names: NM_001323289.2(CDKL5):c.867dup; p.Gln290fs; c.867dup, p.Gln290fs (NM_001037343.2, NM_003159.3); c.867dupA (NM_003159.2); short protein forms Q290fs.
Identifiers: ClinVar variation 143836 (VCV000143836.4), dbSNP rs267608537, ClinGen allele CA170506.